The following is an entry in ClinVar:

ClinVar aggregate classification (germline): Benign. Review status: criteria provided, multiple submitters, no conflicts (2 of 4 stars). 2 submissions from 2 submitters: Benign (2). Last evaluated 2016-03-28.

Allele frequency attached by ClinVar (database versions not stated): 1000 Genomes Project 0.32947; 1000 Genomes Project 30x 0.33042; TOPMed 0.43319; ExAC 0.43339; gnomAD 0.44721 and 0.45254; gnomAD exomes 0.46105 and 0.52550; ESP Exome Variant Server 0.46846.
gnomAD v4.1: 802,441 of 1,550,736 alleles (52%); highest among the groups gnomAD compares: Middle Eastern, 63%; 215,967 homozygotes.

Submissions (2):

Laboratory for Molecular Medicine, Mass General Brigham Personalized Medicine
Classification: Benign. Last evaluated: 2016-03-28. Review status: criteria provided, single submitter. Criteria: LMM Criteria. Collection method: clinical testing. Allele origin: germline.
Comment: Variant identified in a genome or exome case(s) and assessed due to predicted null impact of the variant or pathogenic assertions in the literature or databases. Disclaimer: This variant has not undergone full assessment. The following are preliminary notes: Frequency

Breakthrough Genomics
Classification: Benign. Review status: criteria provided, single submitter. Criteria: ACMG Guidelines, 2015. Collection method: not provided. Allele origin: germline. Inheritance: Unknown mechanism. Affected: yes.

NM_001367479.1(DNAH14):c.12186T>G (p.Asn4062Lys)

Gene: DNAH14 (dynein axonemal heavy chain 14; plus strand). Cytogenetic location: 1q42.12.
Variant type: single nucleotide variant.
Coding change: c.12186T>G on transcript NM_001367479.1 (MANE Select); coding-DNA position 12186, T replaced by G.
Protein change: p.Asn4062Lys; replaces asparagine 4062 with lysine.
Molecular consequence: missense variant.
Genome position (GRCh38, 1-based): chr1:225,367,900, T>G. VCF-style: chr1-225367900-T-G. GRCh37 (hg19) VCF-style: chr1-225555602-T-G.
Other names: short protein forms N4062K.
Identifiers: ClinVar variation 402662 (VCV000402662.5), dbSNP rs12737248, ClinGen allele CA1416811.